The following is an entry in ClinVar:

ClinVar aggregate classification (germline): Uncertain significance. Review status: criteria provided, multiple submitters, no conflicts (2 of 4 stars). 2 submissions from 2 submitters: Uncertain significance (2). Last evaluated 2024-11-19.

Conditions:
Familial cold autoinflammatory syndrome 3 (FCAS3). Also called: FAMILIAL ATYPICAL COLD URTICARIA; ANTIBODY DEFICIENCY AND IMMUNE DYSREGULATION, PLCG2-ASSOCIATED. Identifiers: Orphanet 300359, MedGen C3280914, MONDO:0013766, OMIM 614468.

gnomAD v4.1: 2 of 1,613,722 alleles (0.00012%); highest among the groups gnomAD compares: Non-Finnish European, 0.00017%; no homozygotes.

Submissions (2):

Labcorp Genetics (formerly Invitae), Labcorp
Classification: Uncertain significance for Familial cold autoinflammatory syndrome 3. Last evaluated: 2024-11-19. Review status: criteria provided, single submitter. Criteria: Invitae Variant Classification Sherloc (09022015). Collection method: clinical testing. Allele origin: germline.
Comment: This sequence change replaces threonine, which is neutral and polar, with isoleucine, which is neutral and non-polar, at codon 907 of the PLCG2 protein (p.Thr907Ile). This variant is not present in population databases (gnomAD no frequency). This variant has not been reported in the literature in individuals affected with PLCG2-related conditions. An algorithm developed to predict the effect of missense changes on protein structure and function (PolyPhen-2) suggests that this variant is likely to be tolerated. In summary, the available evidence is currently insufficient to determine the role of this variant in disease. Therefore, it has been classified as a Variant of Uncertain Significance.

Blueprint Genetics
Classification: Uncertain significance. Last evaluated: 2024-01-15. Review status: criteria provided, single submitter. Criteria: ACMG Guidelines, 2015. Collection method: clinical testing. Allele origin: germline.

NM_002661.5(PLCG2):c.2720C>T (p.Thr907Ile)

Gene: PLCG2 (phospholipase C gamma 2; plus strand). Cytogenetic location: 16q23.3.
Variant type: single nucleotide variant.
Coding change: c.2720C>T on transcript NM_002661.5 (MANE Select); coding-DNA position 2720, C replaced by T.
Protein change: p.Thr907Ile; replaces threonine 907 with isoleucine.
Molecular consequence: missense variant.
Genome position (GRCh38, 1-based): chr16:81,931,635, C>T. VCF-style: chr16-81931635-C-T. GRCh37 (hg19) VCF-style: chr16-81965240-C-T.
Other names: c.2720C>T, p.Thr907Ile (NM_001425749.1, NM_001425750.1, NM_001425751.1); short protein forms T907I.
Identifiers: ClinVar variation 3725252 (VCV003725252.3).